The following is an entry in ClinVar:

ClinVar aggregate classification (germline): Likely pathogenic (1 of 4 stars; one submission).

Conditions:
Lissencephaly type 1 due to doublecortin gene mutation. Also called: LISSENCEPHALY, X-LINKED, 1; LISSENCEPHALY AND AGENESIS OF CORPUS CALLOSUM. Identifiers: Orphanet 2148, MedGen C4551968, MONDO:0010239, OMIM 300067.

Submission:

Victorian Clinical Genetics Services, Murdoch Childrens Research Institute
Classification: Likely pathogenic for Lissencephaly type 1 due to doublecortin gene mutation. Last evaluated: 2022-02-02. Review status: criteria provided, single submitter. Criteria: ACMG Guidelines, 2015. Collection method: clinical testing. Allele origin: germline. Inheritance: X-linked dominant inheritance.
Comment: Based on the classification scheme VCGS_Germline_v1.3.4, this variant is classified as Likely pathogenic. Following criteria are met: 0102 - Loss of function is a known mechanism of disease in this gene and is associated with lissencephaly (MIM#300067) and subcortical band heterotopia (MIM#300067). (I) 0110 - This gene is associated with X-linked dominant disease. (I) 0112 - The condition associated with this gene has incomplete penetrance (GeneReviews, OMIM). (I) 0115 - Variants in this gene are known to have variable expressivity, in with females diagnosed with subcortical band heterotopia (GeneReviews). (I) 0200 - Variant is predicted to result in a missense amino acid change from valine to glycine. (I) 0254 - This variant is suspected mosaic. (I) 0301 - Variant is absent from gnomAD (both v2 and v3). (SP) 0501 - Missense variant consistently predicted to be damaging by multiple in silico tools or highly conserved with a major amino acid change. (SP) 0603 - Missense variant in a region that is highly intolerant to missense variation (high constraint region in DECIPHER). (SP) 0703 - Other missense variants comparable to the one identified in this case has moderate previous evidence for pathogenicity. (SP) 0807 - This variant has no previous evidence of pathogenicity. (I) 0905 - No published segregation evidence has been identified for this variant. (I) 1007 - No published functional evidence has been identified for this variant. (I) 1102 - Strong phenotype match for this individual. (SP) 1208 - Inheritance information for this variant is not currently available in this individual. (I) Legend: (SP) - Supporting pathogenic, (I) - Information, (SB) - Supporting benign

Literature cited by the submitters: PubMed 23365099.

NM_001195553.2(DCX):c.302T>G (p.Val101Gly)

Gene: DCX (doublecortin; minus strand). Cytogenetic location: Xq23.
Variant type: single nucleotide variant.
Coding change: c.302T>G on transcript NM_001195553.2 (MANE Select); coding-DNA position 302, T replaced by G.
Protein change: p.Val101Gly; replaces valine 101 with glycine.
Molecular consequence: missense variant.
Genome position (GRCh38, 1-based): chrX:111,410,097, A>C on the plus strand (T>G on the coding strand, the complement: DCX is on the minus strand). VCF-style: chrX-111410097-A-C. GRCh37 (hg19) VCF-style: chrX-110653325-A-C.
Other names: c.545T>G, p.Val182Gly (NM_000555.3); c.302T>G, p.Val101Gly (NM_001369370.1, NM_001369371.1, NM_001369372.1 and 6 more transcripts); short protein forms V101G, V182G.
Identifiers: ClinVar variation 1805112 (VCV001805112.1), dbSNP rs2524858642, ClinGen allele CA414246686.